The following is an entry in ClinVar:

NM_013339.4(ALG6):c.1501A>G (p.Arg501Gly)

Gene: ALG6 (ALG6 alpha-1,3-glucosyltransferase; plus strand). Cytogenetic location: 1p31.3.
Variant type: single nucleotide variant.
Coding change: c.1501A>G on transcript NM_013339.4 (MANE Select); coding-DNA position 1501, A replaced by G.
Protein change: p.Arg501Gly; replaces arginine 501 with glycine.
Molecular consequence: missense variant.
Genome position (GRCh38, 1-based): chr1:63,436,997, A>G. VCF-style: chr1-63436997-A-G. GRCh37 (hg19) VCF-style: chr1-63902668-A-G.
Other names: c.1501A>G (NM_013339.3); short protein forms R501G.
Identifiers: ClinVar variation 1011896 (VCV001011896.7), dbSNP rs1644682851, ClinGen allele CA340642241.

ClinVar aggregate classification (germline): Uncertain significance. Review status: criteria provided, single submitter (1 of 4 stars). 2 submissions from 2 submitters: Uncertain significance (1). 1 of the submissions does not count toward it. Last evaluated 2021-09-01.

Conditions:
ALG6-congenital disorder of glycosylation 1C (CDG1C). Also called: Congenital disorder of glycosylation type 1C; Congenital disorder of glycosylation, type Ic; CARBOHYDRATE-DEFICIENT GLYCOPROTEIN SYNDROME, TYPE I, WITH DEFICIENT GLYCOSYLATION OF DOLICHOL-LINKED OLIGOSACCHARIDE; CARBOHYDRATE-DEFICIENT GLYCOPROTEIN SYNDROME, TYPE V; CDG Ic. Identifiers: Orphanet 79320, MedGen C2930997, MONDO:0011291, OMIM 603147.

Submissions (2):

Labcorp Genetics (formerly Invitae), Labcorp
Classification: Uncertain significance for ALG6-congenital disorder of glycosylation 1C. Last evaluated: 2021-09-01. Review status: criteria provided, single submitter. Criteria: Invitae Variant Classification Sherloc (09022015). Collection method: clinical testing. Allele origin: germline.
Comment: This sequence change replaces arginine with glycine at codon 501 of the ALG6 protein (p.Arg501Gly). The arginine residue is moderately conserved and there is a moderate physicochemical difference between arginine and glycine. This variant is not present in population databases (ExAC no frequency). This variant has not been reported in the literature in individuals affected with ALG6-related conditions. Algorithms developed to predict the effect of missense changes on protein structure and function (SIFT, PolyPhen-2, Align-GVGD) all suggest that this variant is likely to be tolerated. In summary, the available evidence is currently insufficient to determine the role of this variant in disease. Therefore, it has been classified as a Variant of Uncertain Significance.

Natera, Inc.
Classification: Uncertain significance for Congenital disorder of glycosylation type 1c. Last evaluated: 2025-01-03. Review status: no assertion criteria provided. Collection method: clinical testing. Allele origin: germline. Not counted in ClinVar's aggregate classification.